The following is an entry in ClinVar:

ClinVar aggregate classification (germline): Uncertain significance (1 of 4 stars; one submission).

Conditions:
Developmental and epileptic encephalopathy, 13 (DEE13). Also called: Early infantile epileptic encephalopathy 13; SCN8A-Related Epilepsy; Developmental and Epileptic Encephalopathy (SCN8A-DEE). Identifiers: Orphanet 442835, MedGen C3281191, MONDO:0013801, OMIM 614558.

Submission:

3billion
Classification: Uncertain significance for Developmental and epileptic encephalopathy, 13. Last evaluated: 2026-01-16. Review status: criteria provided, single submitter. Criteria: ACMG Guidelines, 2015. Collection method: clinical testing. Allele origin: germline. Affected: yes.
Comment: The variant is not observed in the gnomAD v4.1.0 dataset. Predicted Consequence/Location: Missense variant In silico tool predictions suggest damaging effect of the variant on gene or gene product [REVEL: 0.72 (>=0.6, sensitivity 0.68 and specificity 0.92); 3Cnet: 0.99 (> 0.75, sensitivity 0.96 and precision 0.92)]. A different missense change at the same codon (p.Ile1336Thr) has been reported to be associated with SCN8A-related disorder (ClinVar ID: VCV000989260). However the evidence of pathogenicity is insufficient at this time. Therefore, this variant is classified as VUS according to the recommendation of ACMG/AMP guideline.

NM_001330260.2(SCN8A):c.4008C>G (p.Ile1336Met)

Gene: SCN8A (sodium voltage-gated channel alpha subunit 8; plus strand). Cytogenetic location: 12q13.13.
Variant type: single nucleotide variant.
Coding change: c.4008C>G on transcript NM_001330260.2 (MANE Select); coding-DNA position 4008, C replaced by G.
Protein change: p.Ile1336Met; replaces isoleucine 1336 with methionine.
Molecular consequence: missense variant.
Genome position (GRCh38, 1-based): chr12:51,786,607, C>G. VCF-style: chr12-51786607-C-G. GRCh37 (hg19) VCF-style: chr12-52180391-C-G.
Other names: c.3885C>G, p.Ile1295Met (NM_001177984.3, NM_001369788.1); c.4008C>G, p.Ile1336Met (NM_014191.4); short protein forms I1295M, I1336M.
Identifiers: ClinVar variation 4855062 (VCV004855062.1).